The following is an entry in ClinVar:

ClinVar aggregate classification (germline): Uncertain significance (1 of 4 stars; one submission).

Conditions:
Variegate porphyria, childhood-onset (VPCO). Also called: VARIEGATE PORPHYRIA, HOMOZYGOUS VARIANT. Identifiers: MedGen C5882681, MONDO:0957577, OMIM 620483.
Variegate porphyria (VP). Also called: PORPHYRIA, SOUTH AFRICAN TYPE; PROTOPORPHYRINOGEN OXIDASE DEFICIENCY; PPOX DEFICIENCY. Identifiers: Orphanet 79473, MedGen C0162532, MONDO:0008297, OMIM 176200.

gnomAD v4.1: 4 of 1,614,182 alleles (0.00025%); highest among the groups gnomAD compares: East Asian, 0.0067%; no homozygotes.

Submission:

Juno Genomics, Hangzhou Juno Genomics, Inc
Classification: Uncertain significance for Variegate porphyria; Variegate porphyria, childhood-onset. Review status: criteria provided, single submitter. Criteria: ACMG Guidelines, 2015. Collection method: clinical testing. Allele origin: germline.
Comment: Absent from controls (or at extremely low frequency if recessive) in Genome Aggregation Database.;Multiple lines of computational evidence support a deleterious effect on the gene or gene product.

NM_001122764.3(PPOX):c.361C>T (p.Pro121Ser)

Gene: PPOX (protoporphyrinogen oxidase; plus strand). Cytogenetic location: 1q23.3.
Variant type: single nucleotide variant.
Coding change: c.361C>T on transcript NM_001122764.3 (MANE Select); coding-DNA position 361, C replaced by T.
Protein change: p.Pro121Ser; replaces proline 121 with serine.
Molecular consequence: missense variant. On other transcripts: 5 prime UTR variant (4), intron variant (2).
Genome position (GRCh38, 1-based): chr1:161,168,017, C>T. VCF-style: chr1-161168017-C-T. GRCh37 (hg19) VCF-style: chr1-161137807-C-T.
Other names: c.361C>T, p.Pro121Ser (NM_000309.5, NM_001365398.1, NM_001365399.1); c.-67C>T (NM_001350129.2, NM_001365400.1); c.-126C>T (NM_001350130.2, NM_001365401.1); c.354-396C>T (NM_001350128.2); c.-34-396C>T (NM_001350131.2); short protein forms P121S.
Identifiers: ClinVar variation 5018573 (VCV005018573.2).